The following is an entry in ClinVar:

NM_003235.5(TG):c.4159+1G>A

Gene: TG (thyroglobulin; plus strand). Cytogenetic location: 8q24.22.
Variant type: single nucleotide variant.
Coding change: c.4159+1G>A on transcript NM_003235.5 (MANE Select); the canonical splice donor site of the intron after coding-DNA position 4159, G replaced by A.
Molecular consequence: splice donor variant.
Genome position (GRCh38, 1-based): chr8:132,911,534, G>A. VCF-style: chr8-132911534-G-A. GRCh37 (hg19) VCF-style: chr8-133923779-G-A.
Identifiers: ClinVar variation 2499079 (VCV002499079.28), dbSNP rs945798509, ClinGen allele CA186305611.

ClinVar aggregate classification (germline): Pathogenic (1 of 4 stars; one submission).

Allele frequency attached by ClinVar (database versions not stated): gnomAD exomes below 0.00001; TOPMed 0.00002.
gnomAD v4.1: 1 of 1,611,638 alleles (0.000062%); highest among the groups gnomAD compares: African/African-American, 0.0013%; no homozygotes.

Submission:

CeGaT Center for Human Genetics Tuebingen
Classification: Pathogenic. Last evaluated: 2023-03-01. Review status: criteria provided, single submitter. Criteria: CeGaT Center For Human Genetics Tuebingen Variant Classification Criteria Version 2. Collection method: clinical testing. Allele origin: germline. Affected: yes. Observed: 1 variant allele.
Comment: TG: PVS1, PM2